The following is an entry in ClinVar:

ClinVar aggregate classification (germline): Benign/Likely benign. Review status: criteria provided, multiple submitters, no conflicts (2 of 4 stars). 2 submissions from 2 submitters: Benign (1); Likely benign (1). Last evaluated 2026-04-24.

Conditions:
Colorectal cancer, susceptibility to, 1. Also called: COLORECTAL ADENOMA AND CANCER, SUSCEPTIBILITY TO; COLORECTAL CANCER, SUSCEPTIBILITY TO, ON CHROMOSOME 9. Identifiers: MedGen C1837315, MONDO:0012132, OMIM 608812.

gnomAD v4.1: 3 of 1,612,196 alleles (0.00019%); highest among the groups gnomAD compares: Non-Finnish European, 0.00025%; no homozygotes.

Submissions (2):

Myriad Genetics, Inc.
Classification: Benign for Colorectal cancer, susceptibility to, 1. Last evaluated: 2026-04-24. Review status: criteria provided, single submitter. Criteria: Myriad Autosomal Dominant, Autosomal Recessive and X-Linked Classification Criteria (2023). Collection method: clinical testing. Allele origin: unknown.
Comment: This variant is considered benign. This variant is a silent/synonymous amino acid change and it is not expected to impact splicing.

Ambry Genetics
Classification: Likely benign. Last evaluated: 2023-03-09. Review status: criteria provided, single submitter. Criteria: Ambry Variant Classification Scheme 2023. Collection method: clinical testing. Allele origin: germline.

NM_024642.5(GALNT12):c.609C>T (p.Asn203=)

Gene: GALNT12 (polypeptide N-acetylgalactosaminyltransferase 12; plus strand). Cytogenetic location: 9q22.33.
Variant type: single nucleotide variant.
Coding change: c.609C>T on transcript NM_024642.5 (MANE Select); coding-DNA position 609, C replaced by T.
Protein change: p.Asn203=; no amino-acid change (asparagine 203 retained).
Molecular consequence: synonymous variant.
Genome position (GRCh38, 1-based): chr9:98,826,819, C>T. VCF-style: chr9-98826819-C-T. GRCh37 (hg19) VCF-style: chr9-101589101-C-T.
Identifiers: ClinVar variation 2451788 (VCV002451788.3), dbSNP rs370024536, ClinGen allele CA466423777.